The following is an entry in ClinVar:

NM_015272.5(RPGRIP1L):c.3396A>G (p.Gln1132=)

Gene: RPGRIP1L (RPGRIP1 like; minus strand). Cytogenetic location: 16q12.2.
Variant type: single nucleotide variant.
Coding change: c.3396A>G on transcript NM_015272.5 (MANE Select); coding-DNA position 3396, A replaced by G.
Protein change: p.Gln1132=; no amino-acid change (glutamine 1132 retained).
Molecular consequence: synonymous variant. On other transcripts: intron variant (2).
Genome position (GRCh38, 1-based): chr16:53,622,255, T>C on the plus strand (A>G on the coding strand, the complement: RPGRIP1L is on the minus strand). VCF-style: chr16-53622255-T-C. GRCh37 (hg19) VCF-style: chr16-53656167-T-C.
Other names: c.3294A>G, p.Gln1098= (NM_001330538.2); c.3193-3047A>G (NM_001127897.4); c.3396A>G (NM_015272.4); c.3295-3047A>G (NM_001308334.3).
Identifiers: ClinVar variation 2925259 (VCV002925259.4), dbSNP rs1964777549, ClinGen allele CA495538026.
Genomic context (GRCh38, chr16:53,622,255, plus strand): 5'-TCTGCTAAAATTACAAAAAATTACCTGGGTGTGGTGGCAGGCACCTGTAATCCCATCTAC[T>C]TGGGAGGCTGAGGCAGGAAAATCGCTGGAACCCGGGAGGCGGAAGTTGCAGTGAGCTGAG-3'
Protein context (NP_056087.2, residues 1122-1142): GSSDFPASAS[Gln1132=]VDGITGACHH

ClinVar aggregate classification (germline): Likely benign. Review status: criteria provided, multiple submitters, no conflicts (2 of 4 stars). 2 submissions from 2 submitters: Likely benign (2). Last evaluated 2026-05-16.

Conditions:
RPGRIP1L-related disorder. Also called: RPGRIP1L-related condition; RPGRIP1L-related disorders. Identifiers: MedGen CN239416.
Meckel-Gruber syndrome. Also called: Dysencephalia splachnocystica; DYSENCEPHALIA SPLANCHNOCYSTICA; GRUBER SYNDROME. Identifiers: Orphanet 564, MedGen C0265215, MONDO:0018921.
Joubert syndrome. Also called: Familial aplasia of the vermis; JOUBERT-BOLTSHAUSER SYNDROME. Identifiers: Orphanet 475, MedGen C5979921, MONDO:0018772.

Allele frequency attached by ClinVar (database versions not stated): gnomAD exomes below 0.00001; TOPMed below 0.00001.
gnomAD v4.1: 2 of 666,078 alleles (0.0003%); highest among the groups gnomAD compares: Admixed American, 0.0021%; no homozygotes.

Submissions (2):

PreventionGenetics, part of Exact Sciences
Classification: Likely benign for RPGRIP1L-related condition. Last evaluated: 2026-05-16. Review status: criteria provided, single submitter. Criteria: ACMG Guidelines, 2015. Collection method: clinical testing. Allele origin: germline.
Comment: This variant is classified as likely benign based on ACMG/AMP sequence variant interpretation guidelines (Richards et al. 2015 PMID: 25741868, with internal and published modifications).

Labcorp Genetics (formerly Invitae), Labcorp
Classification: Likely benign for Joubert syndrome; Meckel-Gruber syndrome. Last evaluated: 2023-12-22. Review status: criteria provided, single submitter. Criteria: Invitae Variant Classification Sherloc (09022015). Collection method: clinical testing. Allele origin: germline.